The following is an entry in ClinVar:

NM_024721.5(ZFHX4):c.6899C>T (p.Thr2300Ile)

Gene: ZFHX4 (zinc finger homeobox 4; plus strand). Cytogenetic location: 8q21.13.
Variant type: single nucleotide variant.
Coding change: c.6899C>T on transcript NM_024721.5 (MANE Select); coding-DNA position 6899, C replaced by T.
Protein change: p.Thr2300Ile; replaces threonine 2300 with isoleucine.
Molecular consequence: missense variant.
Genome position (GRCh38, 1-based): chr8:76,853,820, C>T. VCF-style: chr8-76853820-C-T. GRCh37 (hg19) VCF-style: chr8-77766056-C-T.
Other names: c.6821C>T, p.Thr2274Ile (NM_001410934.1); short protein forms T2274I, T2300I.
Identifiers: ClinVar variation 3900279 (VCV003900279.1).

ClinVar aggregate classification (germline): Uncertain significance (1 of 4 stars; one submission).

gnomAD v4.1: 30 of 1,613,732 alleles (0.0019%); highest among the groups gnomAD compares: Non-Finnish European, 0.0023%; no homozygotes.

Submission:

GeneDx
Classification: Uncertain significance. Last evaluated: 2022-10-19. Review status: criteria provided, single submitter. Criteria: GeneDx Variant Classification Process June 2021. Collection method: clinical testing. Allele origin: germline. Affected: yes.
Comment: In silico analysis supports that this missense variant has a deleterious effect on protein structure/function; Has not been previously published as pathogenic or benign to our knowledge; Variants in candidate genes are classified as variants of uncertain significance in accordance with ACMG guidelines (Richards et al., 2015)